The following is an entry in ClinVar:

NM_000380.4(XPA):c.284-7_284-6del

Gene: XPA (XPA, DNA damage recognition and repair factor; minus strand). Cytogenetic location: 9q22.33.
Variant type: Deletion.
Coding change: c.284-7_284-6del on transcript NM_000380.4 (MANE Select); 7 bases into the intron before coding-DNA position 284 through 6 bases into the intron before coding-DNA position 284, 2 bases deleted (TT; older notation c.284-7_284-6delTT).
Molecular consequence: intron variant.
Genome position (GRCh38, 1-based): chr9:97,689,645-97,689,646, AA deleted on the plus strand (TT on the coding strand, the reverse complement: XPA is on the minus strand); deleting any 2 consecutive bases within chr9:97,689,645-97,689,648 gives the same sequence; the c. name uses the placement nearest the transcript's 3' end. VCF-style (leftmost placement, unchanged base first): chr9-97689644-GAA-G. GRCh37 (hg19) VCF-style: chr9-100451926-GAA-G.
Other names: c.158-7_158-6del (NM_001354975.2).
Identifiers: ClinVar variation 2580231 (VCV002580231.1), dbSNP rs1428158336, ClinGen allele CA589324726.

ClinVar aggregate classification (germline): Uncertain significance (1 of 4 stars; one submission).

Conditions:
Xeroderma pigmentosum group A (XPA). Also called: Xeroderma pigmentosum, complementation group A; XPA-Related Xeroderma Pigmentosum; XP, group A. Identifiers: Orphanet 910, MedGen C0268135, MONDO:0010210, OMIM 278700.

Submission:

Illumina Laboratory Services, Illumina
Classification: Uncertain significance for Xeroderma pigmentosum group A. Last evaluated: 2023-05-16. Review status: criteria provided, single submitter. Criteria: ICSLVariantClassificationCriteria RUGD 01 April 2020. Collection method: clinical testing. Allele origin: unknown.
Comment: The XPA c.284-31_284-8delinsGTC variant occurs in a splice region and, to our knowledge, has not been reported in the peer-reviewed literature. This variant is not observed at a significant frequency in version 2.1.1 or version 3.1.2 of the Genome Aggregation Database. Computational evidence suggests the variant may impact the gene or gene product. Based on the available evidence, the c.284-31_284-8delinsGTC variant is classified as a variant of uncertain significance for xeroderma pigmentosum.